The following is an entry in ClinVar:

NM_006929.5(SKIC2):c.1404-2A>G

Gene: SKIC2 (SKI2 subunit of superkiller complex; plus strand). Cytogenetic location: 6p21.33.
Variant type: single nucleotide variant.
Coding change: c.1404-2A>G on transcript NM_006929.5 (MANE Select); the canonical splice acceptor site of the intron before coding-DNA position 1404, A replaced by G.
Molecular consequence: splice acceptor variant.
Genome position (GRCh38, 1-based): chr6:31,963,411, A>G. VCF-style: chr6-31963411-A-G. GRCh37 (hg19) VCF-style: chr6-31931188-A-G.
Identifiers: ClinVar variation 929470 (VCV000929470.5), dbSNP rs1772611373, ClinGen allele CA363456231.

ClinVar aggregate classification (germline): Pathogenic/Likely pathogenic. Review status: criteria provided, multiple submitters, no conflicts (2 of 4 stars). 3 submissions from 3 submitters: Pathogenic (2); Likely pathogenic (1). Last evaluated 2024-02-24.

Conditions:
Trichohepatoenteric syndrome 2 (THES2). Identifiers: Orphanet 84064, MedGen C3281289, MONDO:0013818, OMIM 614602.

Allele frequency attached by ClinVar (database versions not stated): TOPMed 0.00001; gnomAD exomes below 0.00001.
gnomAD v4.1: 2 of 1,552,070 alleles (0.00013%); highest among the groups gnomAD compares: East Asian, 0.0023%; no homozygotes.

Submissions (3):

Labcorp Genetics (formerly Invitae), Labcorp
Classification: Pathogenic. Last evaluated: 2024-02-24. Review status: criteria provided, single submitter. Criteria: Invitae Variant Classification Sherloc (09022015). Collection method: clinical testing. Allele origin: germline.
Comment: This sequence change affects an acceptor splice site in intron 13 of the SKIV2L gene. It is expected to disrupt RNA splicing. Variants that disrupt the donor or acceptor splice site typically lead to a loss of protein function (PMID: 16199547), and loss-of-function variants in SKIV2L are known to be pathogenic (PMID: 22444670). This variant is not present in population databases (gnomAD no frequency). Disruption of this splice site has been observed in individual(s) with trichohepatoenteric syndrome (PMID: 32963807). In at least one individual the data is consistent with being in trans (on the opposite chromosome) from a pathogenic variant. ClinVar contains an entry for this variant (Variation ID: 929470). Algorithms developed to predict the effect of sequence changes on RNA splicing suggest that this variant may disrupt the consensus splice site. For these reasons, this variant has been classified as Pathogenic.

Department of Pathology and Laboratory Medicine, Sinai Health System
Classification: Pathogenic for trichohepatoenteric syndrome 2. Last evaluated: 2022-09-15. Review status: criteria provided, single submitter. Criteria: ACMG Guidelines, 2015. Collection method: research. Allele origin: germline.

Department of Paediatrics and Adolescent Medicine, The University of Hong Kong
Classification: Likely pathogenic for Trichohepatoenteric syndrome 2. Last evaluated: 2020-06-02. Review status: criteria provided, single submitter. Criteria: ACMG Guidelines, 2015. Collection method: research. Allele origin: inherited. Inheritance: Autosomal recessive inheritance. Affected: yes.

Literature cited by the submitters: PubMed 16199547 (cited by Labcorp Genetics (formerly Invitae), Labcorp); PubMed 22444670 (cited by Labcorp Genetics (formerly Invitae), Labcorp); PubMed 32963807 (cited by Labcorp Genetics (formerly Invitae), Labcorp and Department of Paediatrics and Adolescent Medicine, The University of Hong Kong).